The following is an entry in ClinVar:

NM_004444.5(EPHB4):c.1496G>A (p.Arg499Gln)

Gene: EPHB4 (EPH receptor B4; minus strand). Cytogenetic location: 7q22.1.
Variant type: single nucleotide variant.
Coding change: c.1496G>A on transcript NM_004444.5 (MANE Select); coding-DNA position 1496, G replaced by A.
Protein change: p.Arg499Gln; replaces arginine 499 with glutamine.
Molecular consequence: missense variant.
Genome position (GRCh38, 1-based): chr7:100,817,284, C>T on the plus strand (G>A on the coding strand, the complement: EPHB4 is on the minus strand). VCF-style: chr7-100817284-C-T. GRCh37 (hg19) VCF-style: chr7-100414906-C-T.
Other names: c.1496G>A (NM_004444.4); short protein forms R499Q.
Identifiers: ClinVar variation 2992856 (VCV002992856.4), dbSNP rs775718656, ClinGen allele CA4392957.

ClinVar aggregate classification (germline): Uncertain significance. Review status: criteria provided, multiple submitters, no conflicts (2 of 4 stars). 2 submissions from 2 submitters: Uncertain significance (2). Last evaluated 2024-12-11.

Conditions:
Cardiovascular phenotype. Identifiers: MedGen CN230736.

Allele frequency attached by ClinVar (database versions not stated): ExAC 0.00003.
gnomAD v4.1: 12 of 1,600,050 alleles (0.00075%); highest among the groups gnomAD compares: Admixed American, 0.0017%; no homozygotes.

Submissions (2):

Ambry Genetics
Classification: Uncertain significance for Cardiovascular phenotype. Last evaluated: 2024-12-11. Review status: criteria provided, single submitter. Criteria: Ambry Variant Classification Scheme 2023. Collection method: clinical testing. Allele origin: germline.

Labcorp Genetics (formerly Invitae), Labcorp
Classification: Uncertain significance. Last evaluated: 2023-12-09. Review status: criteria provided, single submitter. Criteria: Invitae Variant Classification Sherloc (09022015). Collection method: clinical testing. Allele origin: germline.
Comment: This sequence change replaces arginine, which is basic and polar, with glutamine, which is neutral and polar, at codon 499 of the EPHB4 protein (p.Arg499Gln). The frequency data for this variant in the population databases is considered unreliable, as metrics indicate poor data quality at this position in the gnomAD database. This variant has not been reported in the literature in individuals affected with EPHB4-related conditions. Advanced modeling of protein sequence and biophysical properties (such as structural, functional, and spatial information, amino acid conservation, physicochemical variation, residue mobility, and thermodynamic stability) performed at Invitae indicates that this missense variant is not expected to disrupt EPHB4 protein function with a negative predictive value of 80%. In summary, the available evidence is currently insufficient to determine the role of this variant in disease. Therefore, it has been classified as a Variant of Uncertain Significance.